The following is an entry in ClinVar:

NM_021098.3(CACNA1H):c.750G>C (p.Gln250His)

Gene: CACNA1H (calcium voltage-gated channel subunit alpha1 H; plus strand). Cytogenetic location: 16p13.3.
Variant type: single nucleotide variant.
Coding change: c.750G>C on transcript NM_021098.3 (MANE Select); coding-DNA position 750, G replaced by C.
Protein change: p.Gln250His; replaces glutamine 250 with histidine.
Molecular consequence: missense variant.
Genome position (GRCh38, 1-based): chr16:1,198,721, G>C. VCF-style: chr16-1198721-G-C. GRCh37 (hg19) VCF-style: chr16-1248721-G-C.
Other names: c.750G>C, p.Gln250His (NM_001005407.2); short protein forms Q250H.
Identifiers: ClinVar variation 585656 (VCV000585656.4), dbSNP rs1414057702, ClinGen allele CA394155087.

ClinVar aggregate classification (germline): Uncertain significance. Review status: criteria provided, multiple submitters, no conflicts (2 of 4 stars). 2 submissions from 2 submitters: Uncertain significance (2). Last evaluated 2019-11-10.

Allele frequency attached by ClinVar (database versions not stated): gnomAD exomes below 0.00001; TOPMed below 0.00001.
gnomAD v4.1: 1 of 1,613,188 alleles (0.000062%); highest among the groups gnomAD compares: Admixed American, 0.0017%; no homozygotes.

Submissions (2):

GeneDx
Classification: Uncertain significance. Last evaluated: 2019-11-10. Review status: criteria provided, single submitter. Criteria: GeneDx Variant Classification Process June 2021. Collection method: clinical testing. Allele origin: germline. Affected: yes.
Comment: Not observed at a significant frequency in large population cohorts (Lek et al., 2016); In silico analysis, which includes protein predictors and evolutionary conservation, supports a deleterious effect; Has not been previously published as pathogenic or benign to our knowledge

Athena Diagnostics
Classification: Uncertain significance. Last evaluated: 2019-02-28. Review status: criteria provided, single submitter. Criteria: Athena Diagnostics Criteria. Collection method: clinical testing. Allele origin: germline.